The following is an entry in ClinVar:

ClinVar aggregate classification (germline): Uncertain significance (1 of 4 stars; one submission).

gnomAD v4.1: 10 of 1,613,934 alleles (0.00062%); highest among the groups gnomAD compares: Non-Finnish European, 0.00068%; no homozygotes.

Submission:

Women's Health and Genetics/Laboratory Corporation of America, LabCorp
Classification: Uncertain significance. Last evaluated: 2025-12-01. Review status: criteria provided, single submitter. Criteria: LabCorp Variant Classification Summary - May 2015. Collection method: clinical testing. Allele origin: germline.
Comment: Variant summary: MAST1 c.977G>A (p.Arg326His) results in a non-conservative amino acid change in the encoded protein sequence. Algorithms developed to predict the effect of missense changes on protein structure and function are either unavailable or do not agree on the potential impact of this missense change. The variant allele was found at a frequency of 2e-05 in 251008 control chromosomes. The available data on variant occurrences in the general population are insufficient to allow any conclusion about variant significance. To our knowledge, no occurrence of c.977G>A in individuals affected with MAST1-related conditions and no experimental evidence demonstrating its impact on protein function have been reported. No submitters have cited clinical-significance assessments for this variant to ClinVar. Based on the evidence outlined above, the variant was classified as uncertain significance.

NM_014975.3(MAST1):c.977G>A (p.Arg326His)

Gene: MAST1 (microtubule associated serine/threonine kinase 1; plus strand). Cytogenetic location: 19p13.13.
Variant type: single nucleotide variant.
Coding change: c.977G>A on transcript NM_014975.3 (MANE Select); coding-DNA position 977, G replaced by A.
Protein change: p.Arg326His; replaces arginine 326 with histidine.
Molecular consequence: missense variant.
Genome position (GRCh38, 1-based): chr19:12,852,215, G>A. VCF-style: chr19-12852215-G-A. GRCh37 (hg19) VCF-style: chr19-12963029-G-A.
Other names: short protein forms R326H.
Identifiers: ClinVar variation 4688704 (VCV004688704.1).